The following is an entry in ClinVar:

ClinVar aggregate classification (germline): Pathogenic. Review status: criteria provided, multiple submitters, no conflicts (2 of 4 stars). 7 submissions from 7 submitters: Pathogenic (6). 1 of the submissions does not count toward it. Last evaluated 2025-08-17.

Conditions:
Amyotrophic lateral sclerosis type 5 (ALS5). Also called: AMYOTROPHIC LATERAL SCLEROSIS 5, JUVENILE. Identifiers: Orphanet 300605, MedGen C1865864, MONDO:0011196, OMIM 602099.
Charcot-Marie-Tooth disease axonal type 2X. Also called: CHARCOT-MARIE-TOOTH DISEASE, AXONAL, AUTOSOMAL RECESSIVE, TYPE 2X; CHARCOT-MARIE-TOOTH NEUROPATHY, TYPE 2X. Identifiers: Orphanet 466775, MedGen C5569024, MONDO:0014726, OMIM 616668.
Hereditary spastic paraplegia 11. Also called: SPASTIC PARAPLEGIA, AUTOSOMAL RECESSIVE, COMPLICATED, WITH THIN CORPUS CALLOSUM; SPASTIC PARAPLEGIA, AUTOSOMAL RECESSIVE, WITH MENTAL IMPAIRMENT AND THIN CORPUS CALLOSUM; Spastic paraplegia, mental retardation and thin corpus callosum; Spastic Paraplegia 11; Nakamura Osame syndrome; Autosomal recessive hereditary spastic paraplegia, mental impairment, and thin corpus callosum. Identifiers: Orphanet 2822, MedGen C1858479, MONDO:0011445, OMIM 604360.
Inborn genetic diseases. Identifiers: MedGen C0950123, MeSH D030342.
Hereditary spastic paraplegia. Also called: Familial spastic paraparesis. Identifiers: Orphanet 685, MedGen C0037773, MONDO:0019064. Disease mechanism: loss of function.

Submissions (7):

Labcorp Genetics (formerly Invitae), Labcorp
Classification: Pathogenic for Hereditary spastic paraplegia 11. Last evaluated: 2025-08-17. Review status: criteria provided, single submitter. Criteria: Invitae Variant Classification Sherloc (09022015). Collection method: clinical testing. Allele origin: germline.
Comment: This sequence change creates a premature translational stop signal (p.Glu1819Alafs*10) in the SPG11 gene. It is expected to result in an absent or disrupted protein product. Loss-of-function variants in SPG11 are known to be pathogenic (PMID: 19105190, 20110243, 22154821, 26556829). This variant is present in population databases (rs749819954, gnomAD 0.007%). This premature translational stop signal has been observed in individuals with autosomal recessive hereditary spastic paraplegia (PMID: 18337587; internal data). It has also been observed to segregate with disease in related individuals. ClinVar contains an entry for this variant (Variation ID: 41368). For these reasons, this variant has been classified as Pathogenic.

Mayo Clinic Laboratories, Mayo Clinic
Classification: Pathogenic. Last evaluated: 2024-07-25. Review status: criteria provided, single submitter. Criteria: ACMG Guidelines, 2015. Collection method: clinical testing. Allele origin: germline. Observed: 1 variant allele.
Comment: PP1, PM2, PM3_very_strong, PVS1

Fulgent Genetics
Classification: Pathogenic for Amyotrophic lateral sclerosis type 5; Hereditary spastic paraplegia 11; Charcot-Marie-Tooth disease axonal type 2X. Last evaluated: 2024-04-10. Review status: criteria provided, single submitter. Criteria: ACMG Guidelines, 2015. Collection method: clinical testing. Allele origin: germline.

Ambry Genetics
Classification: Pathogenic for Inborn genetic diseases. Last evaluated: 2021-02-03. Review status: criteria provided, single submitter. Criteria: Ambry Variant Classification Scheme 2023. Collection method: clinical testing. Allele origin: germline.
Comment: The c.5456_5457delAG pathogenic mutation, located in coding exon 30 of the SPG11 gene, results from a deletion of two nucleotides at nucleotide positions 5456 to 5457, causing a translational frameshift with a predicted alternate stop codon (p.E1819Afs*10). This mutation was detected in a compound heterozygous state with other truncating alterations in SPG11 in two siblings and one additional unrelated individual, all of whom had phenotypes consistent with hereditary spastic paraplegia (Paisan-Ruiz C et al. Neurology, 2008 Apr;70:1384-9; Kara E et al. Brain, 2016 07;139:1904-18). In addition to the clinical data presented in the literature, this alteration is expected to result in loss of function by premature protein truncation or nonsense-mediated mRNA decay. As such, this alteration is interpreted as a disease-causing mutation.

Genome Diagnostics Laboratory, The Hospital for Sick Children
Classification: Pathogenic for Hereditary spastic paraplegia. Last evaluated: 2020-03-01. Review status: criteria provided, single submitter. Criteria: ACMG Guidelines, 2015. Collection method: clinical testing. Allele origin: germline. Affected: yes.

Genome-Nilou Lab
Classification: Pathogenic for Hereditary spastic paraplegia 11. Review status: criteria provided, single submitter. Criteria: ACMG Guidelines, 2015. Collection method: clinical testing. Allele origin: germline.

GeneReviews
Classification: Pathogenic for Spastic Paraplegia 11. Last evaluated: 2013-01-31. Review status: no assertion criteria provided. Collection method: curation. Allele origin: unknown. Not counted in ClinVar's aggregate classification.
ClinVar note: Converted during submission from pathologic to Pathogenic.

Literature cited by the submitters: PubMed 19105190 (cited by Labcorp Genetics (formerly Invitae), Labcorp); PubMed 20110243 (cited by Labcorp Genetics (formerly Invitae), Labcorp); PubMed 22154821 (cited by Labcorp Genetics (formerly Invitae), Labcorp); PubMed 26556829 (cited by Labcorp Genetics (formerly Invitae), Labcorp); PubMed 18337587 (cited by 3 submitters); PubMed 25133958 (cited by Mayo Clinic Laboratories, Mayo Clinic and Ambry Genetics); PubMed 27217339 (cited by Mayo Clinic Laboratories, Mayo Clinic and Ambry Genetics); PubMed 31692161 (cited by Mayo Clinic Laboratories, Mayo Clinic).

NM_025137.3(SPG11):c.5456_5457del (p.Glu1819Alafs)

Gene: SPG11 (SPG11 vesicle trafficking associated, spatacsin; minus strand). Cytogenetic location: 15q21.1.
Variant type: Microsatellite.
Coding change: c.5456_5457del on transcript NM_025137.3; coding-DNA positions 5456 to 5457, 2 bases deleted (AG; older notation c.5456_5457delAG).
Protein change: p.Glu1819Alafs; shifts the reading frame from glutamic acid 1819.
Molecular consequence: frameshift variant (on NM_025137.4).
Genome position (GRCh38, 1-based): chr15:44,584,223-44,584,224, CT deleted on the plus strand (AG on the coding strand, the reverse complement: SPG11 is on the minus strand); deleting any 2 consecutive bases within chr15:44,584,223-44,584,226 gives the same sequence; the c. name uses the placement nearest the transcript's 3' end. VCF-style (leftmost placement, unchanged base first): chr15-44584222-GCT-G. GRCh37 (hg19) VCF-style: chr15-44876420-GCT-G.
Other names: p.Glu1819Alafs*10; c.5456_5457del, p.Glu1819fs (NM_001160227.2, NM_025137.4); short protein forms E1819fs.
Identifiers: ClinVar variation 41368 (VCV000041368.19), dbSNP rs312262764, ClinGen allele CA344400.